The following is an entry in ClinVar:

ClinVar aggregate classification (germline): Uncertain significance (1 of 4 stars; one submission).

Conditions:
Inborn genetic diseases. Identifiers: MedGen C0950123, MeSH D030342.

Submission:

Ambry Genetics
Classification: Uncertain significance for Inborn genetic diseases. Last evaluated: 2026-07-02. Review status: criteria provided, single submitter. Criteria: Ambry Variant Classification Scheme 2023. Collection method: clinical testing. Allele origin: germline.
Comment: The p.F270Y variant (also known as c.809T>A), located in coding exon 2 of the GATA2 gene, results from a T to A substitution at nucleotide position 809. The phenylalanine at codon 270 is replaced by tyrosine, an amino acid with highly similar properties. This amino acid position is conserved. In addition, the in silico prediction for this alteration is inconclusive. Based on the available evidence, the clinical significance of this variant remains unclear.

NM_032638.5(GATA2):c.809T>A (p.Phe270Tyr)

Gene: GATA2 (GATA binding protein 2; minus strand). Cytogenetic location: 3q21.3.
Variant type: single nucleotide variant.
Coding change: c.809T>A on transcript NM_032638.5 (MANE Select); coding-DNA position 809, T replaced by A.
Protein change: p.Phe270Tyr; replaces phenylalanine 270 with tyrosine.
Molecular consequence: missense variant.
Genome position (GRCh38, 1-based): chr3:128,485,789, A>T on the plus strand (T>A on the coding strand, the complement: GATA2 is on the minus strand). VCF-style: chr3-128485789-A-T. GRCh37 (hg19) VCF-style: chr3-128204632-A-T.
Other names: c.809T>A, p.Phe270Tyr (NM_001145661.2, NM_001145662.1); short protein forms F270Y.
Identifiers: ClinVar variation 5022186 (VCV005022186.1).